The following is an entry in ClinVar:

NM_007294.4(BRCA1):c.3340G>A (p.Glu1114Lys)

Genes: BRCA1 (BRCA1 DNA repair associated; minus strand), LOC126862571 (BRD4-independent group 4 enhancer GRCh37_chr17:41243136-41244335; plus strand). Cytogenetic location: 17q21.31.
Variant type: single nucleotide variant.
Coding change: c.3340G>A on transcript NM_007294.4 (MANE Select); coding-DNA position 3340, G replaced by A.
Protein change: p.Glu1114Lys; replaces glutamic acid 1114 with lysine.
Molecular consequence: missense variant. On other transcripts: intron variant (137).
Genome position (GRCh38, 1-based): chr17:43,092,191, C>T on the plus strand (G>A on the coding strand, the complement: BRCA1 is on the minus strand). VCF-style: chr17-43092191-C-T. GRCh37 (hg19) VCF-style: chr17-41244208-C-T.
Other names: c.665-1159G>A (NM_001408442.1, NM_001408426.1, NM_001408436.1 and 12 more transcripts); c.788-1159G>A (NM_001407982.1, NM_001407970.1, NM_001407980.1 and 17 more transcripts); c.3127G>A, p.Glu1043Lys (NM_001407571.1, NM_001407853.1, NM_001407894.1 and 9 more transcripts); c.3340G>A, p.Glu1114Lys (NM_001407581.1, NM_001407582.1, NM_001407583.1 and 30 more transcripts); c.3337G>A, p.Glu1113Lys (NM_001407587.1, NM_001407590.1, NM_001407591.1 and 22 more transcripts); c.3331G>A, p.Glu1111Lys (NM_001407646.1, NM_001407647.1); c.3217G>A, p.Glu1073Lys (NM_001407648.1, NM_001407664.1, NM_001407665.1 and 19 more transcripts); c.3214G>A, p.Glu1072Lys (NM_001407649.1, NM_001407670.1, NM_001407671.1 and 11 more transcripts); and 41 more; short protein forms E1114K, E1067K, E1026K, E1043K, E1046K, E1088K, E986K, E1002K.
Identifiers: ClinVar variation 949517 (VCV000949517.13), dbSNP rs80357278, ClinGen allele CA10595297.

ClinVar aggregate classification (germline): Conflicting classifications of pathogenicity. Review status: criteria provided, conflicting classifications (1 of 4 stars). 2 submissions from 2 submitters: Uncertain significance (1); Likely benign (1). Last evaluated 2023-03-23.

Conditions:
Hereditary cancer-predisposing syndrome. Also called: Hereditary neoplastic syndrome; Neoplastic Syndromes, Hereditary; Tumor predisposition; Hereditary Cancer Syndrome. Identifiers: Orphanet 140162, MedGen C0027672, MeSH D009386, MONDO:0015356.
Hereditary breast ovarian cancer syndrome. Also called: Hereditary breast and/or ovarian cancer syndrome; Hereditary breast and ovarian cancer syndrome; Hereditary breast and ovarian cancer syndrome (HBOC); Breast and ovarian cancer; BRCA1- and BRCA2-Associated Hereditary Breast and Ovarian Cancer; Hereditary breast and ovarian cancer. Identifiers: Orphanet 145, MedGen C0677776, MeSH D061325, MONDO:0003582. Disease mechanism: loss of function.

Allele frequency attached by ClinVar (database versions not stated): gnomAD exomes below 0.00001.
gnomAD v4.1: 1 of 1,613,174 alleles (0.000062%); highest among the groups gnomAD compares: East Asian, 0.0022%; no homozygotes.

Submissions (2):

University of Washington Department of Laboratory Medicine, University of Washington
Classification: Likely benign for Hereditary cancer-predisposing syndrome. Last evaluated: 2023-03-23. Review status: criteria provided, single submitter. Criteria: Dines et al. (Genet Med. 2020). Collection method: curation. Allele origin: germline.
Comment: Missense variant in a coldspot region where missense variants are very unlikely to be pathogenic (PMID:31911673).

BRCA1 coldspot (exon 11 using historical exon numbering). Reclassification based on statistical prior probability

Labcorp Genetics (formerly Invitae), Labcorp
Classification: Uncertain significance for Hereditary breast ovarian cancer syndrome. Last evaluated: 2019-08-21. Review status: criteria provided, single submitter. Criteria: Invitae Variant Classification Sherloc (09022015). Collection method: clinical testing. Allele origin: germline.
Comment: This variant is not present in population databases (ExAC no frequency). In summary, the available evidence is currently insufficient to determine the role of this variant in disease. Therefore, it has been classified as a Variant of Uncertain Significance. Algorithms developed to predict the effect of missense changes on protein structure and function (SIFT, PolyPhen-2, Align-GVGD) all suggest that this variant is likely to be tolerated, but these predictions have not been confirmed by published functional studies and their clinical significance is uncertain. This variant has not been reported in the literature in individuals with BRCA1-related conditions. This sequence change replaces glutamic acid with lysine at codon 1114 of the BRCA1 protein (p.Glu1114Lys). The glutamic acid residue is moderately conserved and there is a small physicochemical difference between glutamic acid and lysine.